The following is an entry in ClinVar:

ClinVar aggregate classification (germline): Conflicting classifications of pathogenicity. Review status: criteria provided, conflicting classifications (1 of 4 stars). 3 submissions from 3 submitters: Uncertain significance (1); Likely benign (2). Last evaluated 2025-08-13.

Conditions:
Lung cancer. Also called: Lung cancer, somatic; Malignant tumor of lung. Identifiers: MedGen C0242379, MONDO:0008903, OMIM 211980.
Lung carcinoma. Identifiers: MedGen C0684249, MONDO:0005138.
EGFR-related lung cancer (EGFR). Identifiers: MedGen CN130014.

Allele frequency attached by ClinVar (database versions not stated): gnomAD exomes below 0.00001 and 0.00001; ExAC 0.00001.
gnomAD v4.1: 4 of 1,614,254 alleles (0.00025%); highest among the groups gnomAD compares: Non-Finnish European, 0.00034%; no homozygotes.

Submissions (3):

Labcorp Genetics (formerly Invitae), Labcorp
Classification: Likely benign for EGFR-related lung cancer. Last evaluated: 2025-08-13. Review status: criteria provided, single submitter. Criteria: Invitae Variant Classification Sherloc (09022015). Collection method: clinical testing. Allele origin: germline.

Myriad Genetics, Inc.
Classification: Likely benign for Lung cancer. Last evaluated: 2024-10-16. Review status: criteria provided, single submitter. Criteria: Myriad Autosomal Dominant, Autosomal Recessive and X-Linked Classification Criteria (2023). Collection method: clinical testing. Allele origin: unknown.
Comment: This variant is considered likely benign. This variant is intronic and is not expected to impact mRNA splicing.

Mendelics
Classification: Uncertain significance for Lung cancer. Last evaluated: 2019-05-28. Review status: criteria provided, single submitter. Criteria: Mendelics Assertion Criteria 2017. Collection method: clinical testing. Allele origin: unknown.

NM_005228.5(EGFR):c.2469+8G>A

Genes: EGFR-AS1 (EGFR antisense RNA 1; minus strand), EGFR (epidermal growth factor receptor; plus strand). Cytogenetic location: 7p11.2.
Variant type: single nucleotide variant.
Coding change: c.2469+8G>A on transcript NM_005228.5 (MANE Select); 8 bases into the intron after coding-DNA position 2469, G replaced by A.
Molecular consequence: intron variant. On other transcripts: non-coding transcript variant (1).
Genome position (GRCh38, 1-based): chr7:55,181,486, G>A. VCF-style: chr7-55181486-G-A. GRCh37 (hg19) VCF-style: chr7-55249179-G-A.
Other names: c.2334+8G>A (NM_001346899.2, NM_001346897.2); c.1668+8G>A (NM_001346941.2); c.2469+8G>A (NM_001346898.2); c.2310+8G>A (NM_001346900.2).
Identifiers: ClinVar variation 802319 (VCV000802319.10), dbSNP rs760763801, ClinGen allele CA4266077.